The following is an entry in ClinVar:

ClinVar aggregate classification (germline): Likely benign. Review status: criteria provided, multiple submitters, no conflicts (2 of 4 stars). 6 submissions from 6 submitters: Likely benign (6). Last evaluated 2025-10-15.

Conditions:
Cardiomyopathy (CMYO). Also called: Cardiomyopathies. Identifiers: Orphanet 167848, MedGen C0878544, MONDO:0004994, HP:0001638. Inheritance: Various modes of inheritance.
Cardiovascular phenotype. Identifiers: MedGen CN230736.
Catecholaminergic polymorphic ventricular tachycardia (CVPT). Also called: Catecholamine-induced polymorphic ventricular tachycardia. Identifiers: Orphanet 3286, MedGen C5574922, MONDO:0017990.
Catecholaminergic polymorphic ventricular tachycardia 1. Also called: RYR2-Related Catecholaminergic Polymorphic Ventricular Tachycardia; VENTRICULAR TACHYCARDIA, STRESS-INDUCED POLYMORPHIC 1; VENTRICULAR TACHYCARDIA, CATECHOLAMINERGIC POLYMORPHIC, 1, WITH OR WITHOUT ATRIAL DYSFUNCTION AND/OR DILATED CARDIOMYOPATHY. Identifiers: Orphanet 3286, MedGen C1631597, MONDO:0011484, OMIM 604772.

Allele frequency attached by ClinVar (database versions not stated): TOPMed below 0.00001; ExAC 0.00001; gnomAD exomes 0.00001.

Submissions (6):

Labcorp Genetics (formerly Invitae), Labcorp
Classification: Likely benign for Catecholaminergic polymorphic ventricular tachycardia 1. Last evaluated: 2025-10-15. Review status: criteria provided, single submitter. Criteria: Invitae Variant Classification Sherloc (09022015). Collection method: clinical testing. Allele origin: germline.

All of Us Research Program, National Institutes of Health
Classification: Likely benign for Catecholaminergic polymorphic ventricular tachycardia. Last evaluated: 2023-11-30. Review status: criteria provided, single submitter. Criteria: ACMG Guidelines, 2015. Collection method: clinical testing. Allele origin: germline. Inheritance: Autosomal dominant inheritance. Observed: 5 variant alleles, 5 heterozygotes.
Comment: This study involves interpretation of variants in research participants for the purpose of population health screening. Participant phenotype was not available at the time of variant classification. Additional details can be found in publication PMID: 35346344, PMCID: PMC8962531

Women's Health and Genetics/Laboratory Corporation of America, LabCorp
Classification: Likely benign. Last evaluated: 2020-09-06. Review status: criteria provided, single submitter. Criteria: LabCorp Variant Classification Summary - May 2015. Collection method: clinical testing. Allele origin: germline.

Blueprint Genetics
Classification: Likely benign. Last evaluated: 2020-03-07. Review status: criteria provided, single submitter. Criteria: ACMG Guidelines, 2015. Collection method: clinical testing. Allele origin: germline.

Color Diagnostics, LLC DBA Color Health
Classification: Likely benign for Cardiomyopathy. Last evaluated: 2018-11-27. Review status: criteria provided, single submitter. Criteria: ACMG Guidelines, 2015. Collection method: clinical testing. Allele origin: germline.

Ambry Genetics
Classification: Likely benign for Cardiovascular phenotype. Last evaluated: 2018-10-31. Review status: criteria provided, single submitter. Criteria: Ambry Variant Classification Scheme 2023. Collection method: clinical testing. Allele origin: germline.

NM_001035.3(RYR2):c.8019G>A (p.Ala2673=)

Gene: RYR2 (ryanodine receptor 2; plus strand). Cytogenetic location: 1q43.
Variant type: single nucleotide variant.
Coding change: c.8019G>A on transcript NM_001035.3 (MANE Select); coding-DNA position 8019, G replaced by A.
Protein change: p.Ala2673=; no amino-acid change (alanine 2673 retained).
Molecular consequence: synonymous variant.
Genome position (GRCh38, 1-based): chr1:237,655,874, G>A. VCF-style: chr1-237655874-G-A. GRCh37 (hg19) VCF-style: chr1-237819174-G-A.
Identifiers: ClinVar variation 922479 (VCV000922479.16), dbSNP rs745484020, ClinGen allele CA087556.
Genomic context (GRCh38, chr1:237,655,874, plus strand): 5'-TTCCCAGAAATATGAACAAGAACTTTTCAAACTGGCACTGCCTTGCCTGAGTGCAGTTGC[G>A]GGAGCTTTGCCTCCAGACTACATGGAGTCAAATTATGTCAGTATGATGGAAAAACAGTCA-3'
Protein context (NP_001026.2, residues 2663-2683): KLALPCLSAV[Ala2673=]GALPPDYMES